The following is an entry in ClinVar:

ClinVar aggregate classification (germline): Benign/Likely benign. Review status: criteria provided, multiple submitters, no conflicts (2 of 4 stars). 5 submissions from 5 submitters: Benign (1); Likely benign (4). Last evaluated 2025-12-24.

Conditions:
Hereditary cancer-predisposing syndrome. Also called: Neoplastic Syndromes, Hereditary; Hereditary neoplastic syndrome; Tumor predisposition; Hereditary Cancer Syndrome. Identifiers: Orphanet 140162, MedGen C0027672, MeSH D009386, MONDO:0015356.
Ataxia-telangiectasia syndrome (AT). Also called: Ataxia telangiectasia (A-T); Cerebello-oculocutaneous telangiectasia; Immunodeficiency with ataxia telangiectasia; LOUIS-BAR SYNDROME; AT, COMPLEMENTATION GROUP C; ATAXIA-TELANGIECTASIA, FRESNO VARIANT. Identifiers: Orphanet 100, MedGen C0004135, MONDO:0008840, OMIM 208900.
Familial cancer of breast. Also called: hereditary breast carcinoma; Hereditary breast cancer; BREAST CANCER, FAMILIAL. Identifiers: Orphanet 227535, MedGen C0346153, MONDO:0016419, OMIM 114480. Disease mechanism: loss of function.

Allele frequency attached by ClinVar (database versions not stated): gnomAD exomes below 0.00001 and 0.00002; ExAC 0.00002.
gnomAD v4.1: 2 of 1,614,188 alleles (0.00012%); highest among the groups gnomAD compares: East Asian, 0.0045%; no homozygotes.

Submissions (5):

Labcorp Genetics (formerly Invitae), Labcorp
Classification: Likely benign for Ataxia-telangiectasia syndrome. Last evaluated: 2025-12-24. Review status: criteria provided, single submitter. Criteria: Invitae Variant Classification Sherloc (09022015). Collection method: clinical testing. Allele origin: germline.

Blueprint Genetics
Classification: Likely benign. Last evaluated: 2024-10-07. Review status: criteria provided, single submitter. Criteria: ACMG Guidelines, 2015. Collection method: clinical testing. Allele origin: germline.

Myriad Genetics, Inc.
Classification: Benign for Familial cancer of breast. Last evaluated: 2024-06-06. Review status: criteria provided, single submitter. Criteria: Myriad Autosomal Dominant, Autosomal Recessive and X-Linked Classification Criteria (2023). Collection method: clinical testing. Allele origin: unknown.
Comment: This variant is considered benign. This variant is a silent/synonymous amino acid change and it is not expected to impact splicing.

Color Diagnostics, LLC DBA Color Health
Classification: Likely benign for Hereditary cancer-predisposing syndrome. Last evaluated: 2017-06-08. Review status: criteria provided, single submitter. Criteria: ACMG Guidelines, 2015. Collection method: clinical testing. Allele origin: germline.

Ambry Genetics
Classification: Likely benign for Hereditary cancer-predisposing syndrome. Last evaluated: 2016-08-29. Review status: criteria provided, single submitter. Criteria: Ambry Variant Classification Scheme 2023. Collection method: clinical testing. Allele origin: germline.

NM_000051.4(ATM):c.6540A>G (p.Gly2180=)

Genes: ATM (ATM serine/threonine kinase; plus strand), C11orf65 (chromosome 11 open reading frame 65; minus strand). Cytogenetic location: 11q22.3.
Variant type: single nucleotide variant.
Coding change: c.6540A>G on transcript NM_000051.4 (MANE Select); coding-DNA position 6540, A replaced by G.
Protein change: p.Gly2180=; no amino-acid change (glycine 2180 retained).
Molecular consequence: synonymous variant. On other transcripts: intron variant (2).
Genome position (GRCh38, 1-based): chr11:108,321,388, A>G. VCF-style: chr11-108321388-A-G. GRCh37 (hg19) VCF-style: chr11-108192115-A-G.
Other names: c.6540A>G, p.Gly2180= (NM_001351834.2); c.641-12317T>C (NM_001330368.2); c.*39-12317T>C (NM_001351110.2).
Identifiers: ClinVar variation 236755 (VCV000236755.20), dbSNP rs767516615, ClinGen allele CA6265966.